The following is an entry in ClinVar:

NM_001374828.1(ARID1B):c.4383-1G>A

Gene: ARID1B (AT-rich interaction domain 1B; plus strand). Cytogenetic location: 6q25.3.
Variant type: single nucleotide variant.
Coding change: c.4383-1G>A on transcript NM_001374828.1 (MANE Select); the canonical splice acceptor site of the intron before coding-DNA position 4383, G replaced by A.
Molecular consequence: splice acceptor variant.
Genome position (GRCh38, 1-based): chr6:157,198,810, G>A. VCF-style: chr6-157198810-G-A. GRCh37 (hg19) VCF-style: chr6-157519944-G-A.
Other names: c.4263-1G>A (NM_001371656.1, NM_001374820.1); c.4224-1G>A (NM_017519.3); c.1884-1G>A (NM_001363725.2); c.4014-1G>A (NM_020732.3).
Identifiers: ClinVar variation 291011 (VCV000291011.10), dbSNP rs886044620, ClinGen allele CA10606985.

ClinVar aggregate classification (germline): Pathogenic. Review status: criteria provided, multiple submitters, no conflicts (2 of 4 stars). 3 submissions from 3 submitters: Pathogenic (3). Last evaluated 2021-07-15.

Conditions:
Coffin-Siris syndrome 1 (CSS1). Also called: Mental retardation, autosomal dominant 12; ARID1B-Related Coffin-Siris Syndrome. Identifiers: Orphanet 1465, MedGen C3281201, MONDO:0007617, OMIM 135900. Disease mechanism: gain of function.

Submissions (3):

Genome-Nilou Lab
Classification: Pathogenic for Coffin-Siris syndrome 1. Last evaluated: 2021-07-15. Review status: criteria provided, single submitter. Criteria: ACMG Guidelines, 2015. Collection method: clinical testing. Allele origin: germline. Affected: no.

Eurofins Ntd Llc (ga)
Classification: Pathogenic. Last evaluated: 2016-12-14. Review status: criteria provided, single submitter. Criteria: EGL Classification Definitions 2015. Collection method: clinical testing. Allele origin: germline. Observed: 1 variant allele, 1 heterozygote.

Centre for Mendelian Genomics, University Medical Centre Ljubljana
Classification: Pathogenic for Coffin-Siris syndrome 1. Last evaluated: 2016-01-01. Review status: criteria provided, single submitter. Criteria: ACMG Guidelines, 2015. Collection method: clinical testing. Allele origin: unknown. Affected: yes.
Comment: This variant was classified as: Pathogenic. The following ACMG criteria were applied in classifying this variant: PVS1,PM2,PP5.